The following is an entry in ClinVar:

ClinVar aggregate classification (germline): Uncertain significance (0 of 4 stars; one submission).

Conditions:
Hypertrophic cardiomyopathy 1 (CMH1). Also called: Familial hypertrophic cardiomyopathy 1; MYH7-Related Familial Hypertrophic Cardiomyopathy. Identifiers: MedGen C3495498, MONDO:0008647, OMIM 192600.

Submission:

Center for Human Genetics and Genomic Medicine, Uniklinik Rwth Aachen
Classification: Uncertain significance for Hypertrophic cardiomyopathy 1. Last evaluated: 2022-07-13. Review status: no assertion criteria provided. Collection method: clinical testing. Allele origin: paternal. Inheritance: Autosomal dominant inheritance. Affected: yes.
Comment: It is absent from large population studies and has been reported associated with hypertrophic cardiomyopathy in the literature (Waldmüller, 2002).

Literature cited by the submitters: DOI 10.1002/humu.10074.

NM_000257.4(MYH7):c.1783_1784delinsAG (p.Gln595Arg)

Gene: MYH7 (myosin heavy chain 7; minus strand). Cytogenetic location: 14q11.2.
Variant type: Indel.
Coding change: c.1783_1784delinsAG on transcript NM_000257.4 (MANE Select); coding-DNA positions 1783 to 1784, CA replaced by AG.
Protein change: p.Gln595Arg; replaces glutamine 595 with arginine.
Molecular consequence: missense variant.
Genome position (GRCh38, 1-based): chr14:23,427,689-23,427,690, TG replaced by CT on the plus strand (CA replaced by AG on the coding strand, the reverse complement: MYH7 is on the minus strand). VCF-style: chr14-23427689-TG-CT. GRCh37 (hg19) VCF-style: chr14-23896898-TG-CT.
Other names: short protein forms Q595R.
Identifiers: ClinVar variation 1696841 (VCV001696841.3), dbSNP rs2138672107, ClinGen allele CA2580088027.
Genomic context (GRCh38, chr14:23,427,689, plus strand): 5'-TTGAGGGAAGACTTCTGATACAAGCCCACGACAGTCTCATTGAGAGGATCCTTGTTCTTC[TG>CT]CAGCCAGCCAATGATGTTGTAGTCCACGATGCCGGCATAGTGGATCAGGGAGAAGTGGGC-3'
Protein context (NP_000248.2, residues 585-605): IVDYNIIGWL[Gln595Arg]KNKDPLNETV